The following is an entry in ClinVar:

NM_000257.4(MYH7):c.5191G>A (p.Asp1731Asn)

Genes: MHRT (myosin heavy chain associated RNA transcript; plus strand), MYH7 (myosin heavy chain 7; minus strand), LOC126861897 (BRD4-independent group 4 enhancer GRCh37_chr14:23884455-23885654; plus strand). Cytogenetic location: 14q11.2.
Variant type: single nucleotide variant.
Coding change: c.5191G>A on transcript NM_000257.4 (MANE Select); coding-DNA position 5191, G replaced by A.
Protein change: p.Asp1731Asn; replaces aspartic acid 1731 with asparagine.
Molecular consequence: missense variant. On other transcripts: non-coding transcript variant (1).
Genome position (GRCh38, 1-based): chr14:23,415,473, C>T on the plus strand (G>A on the coding strand, the complement: MYH7 is on the minus strand). VCF-style: chr14-23415473-C-T. GRCh37 (hg19) VCF-style: chr14-23884682-C-T.
Other names: short protein forms D1731N.
Identifiers: ClinVar variation 228915 (VCV000228915.47), dbSNP rs876657885, ClinGen allele CA10576952.

ClinVar aggregate classification (germline): Uncertain significance. Review status: criteria provided, multiple submitters, no conflicts (2 of 4 stars). 7 submissions from 7 submitters: Uncertain significance (7). Last evaluated 2025-12-14.

Conditions:
Cardiovascular phenotype. Identifiers: MedGen CN230736.
Polymorphic ventricular tachycardia. Identifiers: MedGen C0344432, MONDO:0020575, HP:0031677.
Cardiomyopathy (CMYO). Also called: Cardiomyopathies. Identifiers: Orphanet 167848, MedGen C0878544, MONDO:0004994, HP:0001638. Inheritance: Various modes of inheritance.
Hypertrophic cardiomyopathy. Also called: HYPERTROPHIC MYOCARDIOPATHY. Identifiers: Orphanet 217569, MedGen C0007194, MeSH D002312, MONDO:0005045, HP:0001639.

Allele frequency attached by ClinVar (database versions not stated): TOPMed below 0.00001; gnomAD 0.00001; gnomAD exomes 0.00001.
gnomAD v4.1: 20 of 1,614,112 alleles (0.0012%); highest among the groups gnomAD compares: Middle Eastern, 0.016%; no homozygotes.

Submissions (7):

Labcorp Genetics (formerly Invitae), Labcorp
Classification: Uncertain significance for Hypertrophic cardiomyopathy. Last evaluated: 2025-12-14. Review status: criteria provided, single submitter. Criteria: Invitae Variant Classification Sherloc (09022015). Collection method: clinical testing. Allele origin: germline.
Comment: This sequence change replaces aspartic acid, which is acidic and polar, with asparagine, which is neutral and polar, at codon 1731 of the MYH7 protein (p.Asp1731Asn). This variant is present in population databases (no rsID available, gnomAD 0.003%). This variant has not been reported in the literature in individuals affected with MYH7-related conditions. ClinVar contains an entry for this variant (Variation ID: 228915). Invitae Evidence Modeling of protein sequence and biophysical properties (such as structural, functional, and spatial information, amino acid conservation, physicochemical variation, residue mobility, and thermodynamic stability) has been performed for this missense variant. However, the output from this modeling did not meet the statistical confidence thresholds required to predict the impact of this variant on MYH7 protein function. In summary, the available evidence is currently insufficient to determine the role of this variant in disease. Therefore, it has been classified as a Variant of Uncertain Significance.

Color Diagnostics, LLC DBA Color Health
Classification: Uncertain significance for Cardiomyopathy. Last evaluated: 2025-09-22. Review status: criteria provided, single submitter. Criteria: ACMG Guidelines, 2015. Collection method: clinical testing. Allele origin: germline.
Comment: This missense variant replaces aspartic acid with asparagine at codon 1731 of the MYH7 protein. Computational prediction suggests that this variant may not impact protein structure and function. To our knowledge, functional studies have not been reported for this variant. This variant has been reported in an individual affected with hypertrophic cardiomyopathy (PMID: 29875424). This variant has been identified in 5/282882 chromosomes in the general population by the Genome Aggregation Database (gnomAD). The available evidence is insufficient to determine the role of this variant in disease conclusively. Therefore, this variant is classified as a Variant of Uncertain Significance.

Petrovsky National Research Centre of Surgery, The Federal Agency for Scientific Organizations
Classification: Uncertain significance for Polymorphic ventricular tachycardia. Last evaluated: 2024-07-08. Review status: criteria provided, single submitter. Criteria: Kelly et al. (Genet Med. 2018). Collection method: clinical testing. Allele origin: germline. Inheritance: Autosomal dominant inheritance. Affected: yes. Observed: 1 heterozygote.
Comment: The NM_000257.4:c.5191G>A (p.Asp1731Asn) variant is in The Genome Aggregation Database (gnomAD) v4.1.0 with total MAF 0.00001239 (Date of access 03-07-2024). Clinvar contains an entry for this variant (Variation ID: 228915). This variant has been reported in an individual affected with hypertrophic cardiomyopathy (PMID: 29875424). We assume that the p.Asp1731Asn variant could be classified as a Variant of Uncertain Significance.

All of Us Research Program, National Institutes of Health
Classification: Uncertain significance for Cardiomyopathy. Last evaluated: 2023-06-26. Review status: criteria provided, single submitter. Criteria: ACMG Guidelines, 2015. Collection method: clinical testing. Allele origin: germline. Inheritance: Autosomal dominant inheritance. Observed: 2 variant alleles, 2 heterozygotes.
Comment: This missense variant replaces aspartic acid with asparagine at codon 1731 of the MYH7 protein. Computational prediction suggests that this variant may not impact protein structure and function (internally defined REVEL score threshold <= 0.5, PMID: 27666373). To our knowledge, functional studies have not been reported for this variant. This variant has been reported in an individual affected with hypertrophic cardiomyopathy (PMID: 29875424). This variant has been identified in 5/282882 chromosomes in the general population by the Genome Aggregation Database (gnomAD). The available evidence is insufficient to determine the role of this variant in disease conclusively. Therefore, this variant is classified as a Variant of Uncertain Significance.

This study involves interpretation of variants in research participants for the purpose of population health screening. Participant phenotype was not available at the time of variant classification. Additional details can be found in publication PMID: 35346344, PMCID: PMC8962531

CeGaT Center for Human Genetics Tuebingen
Classification: Uncertain significance. Last evaluated: 2022-08-01. Review status: criteria provided, single submitter. Criteria: CeGaT Center For Human Genetics Tuebingen Variant Classification Criteria Version 2. Collection method: clinical testing. Allele origin: germline. Affected: yes. Observed: 1 variant allele.

Ambry Genetics
Classification: Uncertain significance for Cardiovascular phenotype. Last evaluated: 2018-08-06. Review status: criteria provided, single submitter. Criteria: Ambry Variant Classification Scheme 2023. Collection method: clinical testing. Allele origin: germline.
Comment: The p.D1731N variant (also known as c.5191G>A), located in coding exon 34 of the MYH7 gene, results from a G to A substitution at nucleotide position 5191. The aspartic acid at codon 1731 is replaced by asparagine, an amino acid with highly similar properties. Another alteration affecting the same amino acid, p.D1731V (c.5192A>T), has been reported in association with dilated cardiomyopathy (DCM) (Zimmerman RS et al. Genet. Med., 2010 May;12:268-78). This amino acid position is not well conserved in available vertebrate species. In addition, this alteration is predicted to be tolerated by in silico analysis. Since supporting evidence is limited at this time, the clinical significance of this alteration remains unclear.

Laboratory for Molecular Medicine, Mass General Brigham Personalized Medicine
Classification: Uncertain significance. Last evaluated: 2016-01-29. Review status: criteria provided, single submitter. Criteria: LMM Criteria. Collection method: clinical testing. Allele origin: germline. Observed: 1 variant allele.
Comment: Variant classified as Uncertain Significance - Favor Pathogenic. The p.Asp1731As n variant in MYH7 has not been previously reported in individuals with cardiomyo pathy or in large population studies. This variant was predicted to be pathogeni c using a computational tool clinically validated by our laboratory. This tool's pathogenic prediction is estimated to be correct 94% of the time (Jordan 2011). In summary, while there is some suspicion for a pathogenic role, the clinical s ignificance of the p.Asp1731Asn variant is uncertain.

Literature cited by the submitters: PubMed 29875424 (cited by Color Diagnostics, LLC DBA Color Health and All of Us Research Program, National Institutes of Health).